The following is an entry in ClinVar:

ClinVar aggregate classification (germline): Benign/Likely benign. Review status: criteria provided, multiple submitters, no conflicts (2 of 4 stars). 3 submissions from 3 submitters: Benign (1); Likely benign (2). Last evaluated 2026-01-08.

Conditions:
Hereditary cancer-predisposing syndrome. Also called: Neoplastic Syndromes, Hereditary; Hereditary Cancer Syndrome; Hereditary neoplastic syndrome; Tumor predisposition. Identifiers: Orphanet 140162, MedGen C0027672, MeSH D009386, MONDO:0015356.
Familial cancer of breast. Also called: BREAST CANCER, FAMILIAL; hereditary breast carcinoma; Hereditary breast cancer. Identifiers: Orphanet 227535, MedGen C0346153, MONDO:0016419, OMIM 114480. Disease mechanism: loss of function.

Submissions (3):

Labcorp Genetics (formerly Invitae), Labcorp
Classification: Likely benign for Familial cancer of breast. Last evaluated: 2026-01-08. Review status: criteria provided, single submitter. Criteria: Invitae Variant Classification Sherloc (09022015). Collection method: clinical testing. Allele origin: germline.

Myriad Genetics, Inc.
Classification: Benign for Familial cancer of breast. Last evaluated: 2024-07-25. Review status: criteria provided, single submitter. Criteria: Myriad Autosomal Dominant, Autosomal Recessive and X-Linked Classification Criteria (2023). Collection method: clinical testing. Allele origin: unknown.
Comment: This variant is considered benign. This variant is a silent/synonymous amino acid change and it is not expected to impact splicing.

Ambry Genetics
Classification: Likely benign for Hereditary cancer-predisposing syndrome. Last evaluated: 2016-11-08. Review status: criteria provided, single submitter. Criteria: Ambry Variant Classification Scheme 2023. Collection method: clinical testing. Allele origin: germline.

NM_000465.4(BARD1):c.1420C>T (p.Leu474=)

Gene: BARD1 (BRCA1 associated RING domain 1; minus strand). Cytogenetic location: 2q35.
Variant type: single nucleotide variant.
Coding change: c.1420C>T on transcript NM_000465.4 (MANE Select); coding-DNA position 1420, C replaced by T.
Protein change: p.Leu474=; no amino-acid change (leucine 474 retained).
Molecular consequence: synonymous variant. On other transcripts: non-coding transcript variant (3), intron variant (3).
Genome position (GRCh38, 1-based): chr2:214,767,630, G>A on the plus strand (C>T on the coding strand, the complement: BARD1 is on the minus strand). VCF-style: chr2-214767630-G-A. GRCh37 (hg19) VCF-style: chr2-215632354-G-A.
Other names: c.1363C>T, p.Leu455= (NM_001282543.2); c.159-15075C>T (NM_001282548.2); c.216-15075C>T (NM_001282545.2); c.364+24667C>T (NM_001282549.2).
Identifiers: ClinVar variation 479121 (VCV000479121.16), dbSNP rs1183978479, ClinGen allele CA431129816.